The following is an entry in ClinVar:

ClinVar aggregate classification (germline): Benign/Likely benign. Review status: criteria provided, multiple submitters, no conflicts (2 of 4 stars). 7 submissions from 7 submitters: Benign (2); Likely benign (5). Last evaluated 2026-04-01.

Conditions:
Inborn genetic diseases. Identifiers: MedGen C0950123, MeSH D030342.
Pitt-Hopkins syndrome (PTHS). Also called: ENCEPHALOPATHY, SEVERE EPILEPTIC, WITH AUTONOMIC DYSFUNCTION; MENTAL RETARDATION, SYNDROMAL, WITH INTERMITTENT HYPERVENTILATION. Identifiers: Orphanet 2896, MedGen C1970431, MONDO:0012589, OMIM 610954.

Allele frequency attached by ClinVar (database versions not stated): 1000 Genomes Project 0.00020; ExAC 0.00030; ESP Exome Variant Server 0.00031; gnomAD exomes 0.00036 and 0.00059; gnomAD 0.00043; TOPMed 0.00044; 1000 Genomes Project 30x 0.00047.
gnomAD v4.1: 931 of 1,613,854 alleles (0.058%); highest among the groups gnomAD compares: Non-Finnish European, 0.07%; 1 homozygote.

Submissions (7):

CeGaT Center for Human Genetics Tuebingen
Classification: Likely benign. Last evaluated: 2026-04-01. Review status: criteria provided, single submitter. Criteria: CeGaT Center For Human Genetics Tuebingen Variant Classification Criteria Version 2. Collection method: clinical testing. Allele origin: germline. Affected: yes. Observed: 4 variant alleles.
Comment: TCF4: BP4, BP7

Women's Health and Genetics/Laboratory Corporation of America, LabCorp
Classification: Likely benign. Last evaluated: 2026-01-26. Review status: criteria provided, single submitter. Criteria: LabCorp Variant Classification Summary - May 2015. Collection method: clinical testing. Allele origin: germline.

Labcorp Genetics (formerly Invitae), Labcorp
Classification: Likely benign for Pitt-Hopkins syndrome. Last evaluated: 2025-11-19. Review status: criteria provided, single submitter. Criteria: Invitae Variant Classification Sherloc (09022015). Collection method: clinical testing. Allele origin: germline.

Blueprint Genetics
Classification: Likely benign. Last evaluated: 2024-10-01. Review status: criteria provided, single submitter. Criteria: ACMG Guidelines, 2015. Collection method: clinical testing. Allele origin: germline.

Illumina Laboratory Services, Illumina
Classification: Benign for Pitt-Hopkins syndrome. Last evaluated: 2018-01-13. Review status: criteria provided, single submitter. Criteria: ICSL Variant Classification Criteria 13 December 2019. Collection method: clinical testing. Allele origin: germline.
Comment: This variant was observed in the ICSL laboratory as part of a predisposition screen in an ostensibly healthy population. It had not been previously curated by ICSL or reported in the Human Gene Mutation Database (HGMD: prior to June 1st, 2018), and was therefore a candidate for classification through an automated scoring system. Utilizing variant allele frequency, disease prevalence and penetrance estimates, and inheritance mode, an automated score was calculated to assess if this variant is too frequent to cause the disease. Based on the score and internal cut-off values, a variant classified as benign is not then subjected to further curation. The score for this variant resulted in a classification of benign for this disease.

Ambry Genetics
Classification: Likely benign for Inborn genetic diseases. Last evaluated: 2016-08-09. Review status: criteria provided, single submitter. Criteria: Ambry Variant Classification Scheme 2023. Collection method: clinical testing. Allele origin: germline.

GeneDx
Classification: Benign. Last evaluated: 2013-12-09. Review status: criteria provided, single submitter. Criteria: GeneDx Variant Classification (06012015). Collection method: clinical testing. Allele origin: germline. Affected: yes.
Comment: This variant is considered likely benign or benign based on one or more of the following criteria: it is a conservative change, it occurs at a poorly conserved position in the protein, it is predicted to be benign by multiple in silico algorithms, and/or has population frequency not consistent with disease.

Literature cited by the submitters: PubMed 26010163 (cited by Ambry Genetics).

NM_001083962.2(TCF4):c.936C>T (p.Ser312=)

Gene: TCF4 (transcription factor 4; minus strand). Cytogenetic location: 18q21.2.
Variant type: single nucleotide variant.
Coding change: c.936C>T on transcript NM_001083962.2 (MANE Select); coding-DNA position 936, C replaced by T.
Protein change: p.Ser312=; no amino-acid change (serine 312 retained).
Molecular consequence: synonymous variant.
Genome position (GRCh38, 1-based): chr18:55,261,520, G>A on the plus strand (C>T on the coding strand, the complement: TCF4 is on the minus strand). VCF-style: chr18-55261520-G-A. GRCh37 (hg19) VCF-style: chr18-52928751-G-A.
Other names: p.S312S:AGC>AGT; c.1242C>T, p.Ser414= (NM_001243226.3); c.864C>T, p.Ser288= (NM_001243227.2, NM_001306207.1, NM_001348217.1 and 9 more transcripts); c.954C>T, p.Ser318= (NM_001243228.2); c.930C>T, p.Ser310= (NM_001243230.2); c.810C>T, p.Ser270= (NM_001243231.2, NM_001348211.2); c.723C>T, p.Ser241= (NM_001243232.1, NM_001306208.1); c.546C>T, p.Ser182= (NM_001243233.2, NM_001330605.3, NM_001348212.2 and 1 more transcripts); and 5 more.
Identifiers: ClinVar variation 139405 (VCV000139405.87), dbSNP rs368270265, ClinGen allele CA293880.
Genomic context (GRCh38, chr18:55,261,520, plus strand): 5'-CCTCACCGAAGCAAGTGCTTTCCCCAGAGCATCTCCAGTCTGGGAGCTGCCGGCTGCCCC[G>A]CTTCCTCTATTTGCTGCAAAAACAAAAGGCAGAATATGAAAACCAGGCAGTGAGACGTCT-3'
Protein context (NP_001077431.1, residues 302-322): GTDSIMANRG[Ser312=]GAAGSSQTGD